The following is an entry in ClinVar:

NM_000059.4(BRCA2):c.426-400C>T

Gene: BRCA2 (BRCA2 DNA repair associated; plus strand). Cytogenetic location: 13q13.1.
Variant type: single nucleotide variant.
Coding change: c.426-400C>T on transcript NM_000059.4 (MANE Select); 400 bases into the intron before coding-DNA position 426, C replaced by T.
Molecular consequence: intron variant.
Genome position (GRCh38, 1-based): chr13:32,325,701, C>T. VCF-style: chr13-32325701-C-T. GRCh37 (hg19) VCF-style: chr13-32899838-C-T.
Other names: IVS 4-400C>T.
Identifiers: ClinVar variation 209646 (VCV000209646.2), dbSNP rs11571618, ClinGen allele CA276615.

ClinVar aggregate classification (germline): Benign. Review status: reviewed by expert panel (3 of 4 stars). 2 submissions from 2 submitters: Benign (1). 1 of the submissions does not count toward it. Last evaluated 2015-01-12.

Conditions:
Breast-ovarian cancer, familial, susceptibility to, 2 (BROVCA2). Also called: BRCA2 Hereditary Breast and Ovarian Cancer. Identifiers: Orphanet 145, MedGen C2675520, MONDO:0012933, OMIM 612555. Disease mechanism: loss of function.

Allele frequency attached by ClinVar (database versions not stated): gnomAD 0.03716 and 0.04113; TOPMed 0.04258; 1000 Genomes Project 0.07428; 1000 Genomes Project 30x 0.07448.
gnomAD v4.1: 6,253 of 151,918 alleles (4.1%); highest among the groups gnomAD compares: South Asian, 11%; 219 homozygotes.

Submissions (2):

Evidence-based Network for the Interpretation of Germline Mutant Alleles (ENIGMA)
Classification: Benign for Breast-ovarian cancer, familial 2. Last evaluated: 2015-01-12. Review status: reviewed by expert panel. Criteria: ENIGMA BRCA1/2 Classification Criteria (2015). Collection method: curation. Allele origin: germline.
Comment: Class 1 not pathogenic based on frequency >1% in an outbred sampleset. Frequency 0.1049 (Asian), 0.01423 (African), 0.03694 (European), derived from 1000 genomes (2012-04-30).

Breakthrough Genomics
Classification: Benign. Review status: criteria provided, single submitter. Criteria: ACMG Guidelines, 2015. Collection method: not provided. Allele origin: germline. Inheritance: Autosomal recessive inheritance. Affected: yes. Not counted in ClinVar's aggregate classification.